The following is an entry in ClinVar:

ClinVar aggregate classification (germline): Uncertain significance. Review status: criteria provided, multiple submitters, no conflicts (2 of 4 stars). 2 submissions from 2 submitters: Uncertain significance (2). Last evaluated 2026-01-27.

Conditions:
Inborn genetic diseases. Identifiers: MedGen C0950123, MeSH D030342.

Allele frequency attached by ClinVar (database versions not stated): gnomAD exomes below 0.00001 and 0.00001; gnomAD 0.00001.
gnomAD v4.1: 11 of 1,603,174 alleles (0.00069%); highest among the groups gnomAD compares: Non-Finnish European, 0.00094%; no homozygotes.

Submissions (2):

Labcorp Genetics (formerly Invitae), Labcorp
Classification: Uncertain significance. Last evaluated: 2026-01-27. Review status: criteria provided, single submitter. Criteria: Invitae Variant Classification Sherloc (09022015). Collection method: clinical testing. Allele origin: germline.
Comment: This sequence change replaces glutamine, which is neutral and polar, with lysine, which is basic and polar, at codon 360 of the DNA2 protein (p.Gln360Lys). This variant is present in population databases (no rsID available, gnomAD 0.002%). This variant has not been reported in the literature in individuals affected with DNA2-related conditions. ClinVar contains an entry for this variant (Variation ID: 1473587). Invitae Evidence Modeling of protein sequence and biophysical properties (such as structural, functional, and spatial information, amino acid conservation, physicochemical variation, residue mobility, and thermodynamic stability) indicates that this missense variant is not expected to disrupt DNA2 protein function with a negative predictive value of 80%. In summary, the available evidence is currently insufficient to determine the role of this variant in disease. Therefore, it has been classified as a Variant of Uncertain Significance.

Ambry Genetics
Classification: Uncertain significance for Inborn genetic diseases. Last evaluated: 2023-01-26. Review status: criteria provided, single submitter. Criteria: Ambry Variant Classification Scheme 2023. Collection method: clinical testing. Allele origin: germline.

NM_001080449.3(DNA2):c.1078C>A (p.Gln360Lys)

Gene: DNA2 (DNA replication helicase/nuclease 2; minus strand). Cytogenetic location: 10q21.3.
Variant type: single nucleotide variant.
Coding change: c.1078C>A on transcript NM_001080449.3 (MANE Select); coding-DNA position 1078, C replaced by A.
Protein change: p.Gln360Lys; replaces glutamine 360 with lysine.
Molecular consequence: missense variant. On other transcripts: non-coding transcript variant (1).
Genome position (GRCh38, 1-based): chr10:68,445,063, G>T on the plus strand (C>A on the coding strand, the complement: DNA2 is on the minus strand). VCF-style: chr10-68445063-G-T. GRCh37 (hg19) VCF-style: chr10-70204820-G-T.
Other names: c.1078C>A (NM_001080449.2); short protein forms Q360K.
Identifiers: ClinVar variation 1473587 (VCV001473587.10), dbSNP rs1317601492, ClinGen allele CA376862741.